The following is an entry in ClinVar:

ClinVar aggregate classification (germline): Conflicting classifications of pathogenicity. Review status: criteria provided, conflicting classifications (1 of 4 stars). 17 submissions from 16 submitters: Uncertain significance (11); Benign (1); Likely benign (4). 1 of the submissions does not count toward it. Last evaluated 2026-03-12.

Conditions:
BRCA2-related disorder. Also called: BRCA2-related condition; BRCA2-related disorders. Identifiers: MedGen CN239275.
Hereditary cancer-predisposing syndrome. Also called: Neoplastic Syndromes, Hereditary; Tumor predisposition; Hereditary Cancer Syndrome; Hereditary neoplastic syndrome. Identifiers: Orphanet 140162, MedGen C0027672, MeSH D009386, MONDO:0015356.
Familial prostate cancer. Also called: Hereditary Prostate Cancer. Identifiers: MedGen C2931456, MONDO:0700275, OMIM 176807.
Ovarian cancer. Also called: OVARIAN CANCER, SOMATIC. Identifiers: Orphanet 213500, MedGen C1140680, MONDO:0008170, OMIM 167000.
Hereditary breast ovarian cancer syndrome. Also called: Breast and ovarian cancer; Hereditary breast and ovarian cancer; Hereditary breast and ovarian cancer syndrome (HBOC); Hereditary breast and ovarian cancer syndrome; BRCA1- and BRCA2-Associated Hereditary Breast and Ovarian Cancer; Hereditary breast and/or ovarian cancer syndrome. Identifiers: Orphanet 145, MedGen C0677776, MeSH D061325, MONDO:0003582. Disease mechanism: loss of function.
Breast-ovarian cancer, familial, susceptibility to, 2 (BROVCA2). Also called: BRCA2 Hereditary Breast and Ovarian Cancer. Identifiers: Orphanet 145, MedGen C2675520, MONDO:0012933, OMIM 612555. Disease mechanism: loss of function.
Fanconi anemia complementation group D1. Also called: BRCA2-Related Fanconi Anemia. Identifiers: Orphanet 319462, MedGen C1838457, MONDO:0011584, OMIM 605724.

Allele frequency attached by ClinVar (database versions not stated): gnomAD exomes below 0.00001; gnomAD 0.00001; TOPMed 0.00002.
gnomAD v4.1: 12 of 1,611,378 alleles (0.00074%); highest among the groups gnomAD compares: Middle Eastern, 0.016%; no homozygotes.

Submissions (17):

PreventionGenetics, part of Exact Sciences
Classification: Uncertain significance for BRCA2-related condition. Last evaluated: 2026-03-12. Review status: criteria provided, single submitter. Criteria: ACMG Guidelines, 2015. Collection method: clinical testing. Allele origin: germline.
Comment: The BRCA2 c.2918C>T variant is predicted to result in the amino acid substitution p.Ser973Leu. This variant has been reported in multiple individuals with breast and/or ovarian cancer (Table S3, Guindalini et al. 2022. PubMed ID: 35264596; Ahmad et al. 2012. PubMed ID: 22486713; Wang et al. 2019. PubMed ID: 30982232; Table S2, Yao et al. 2022. PubMed ID: 35864222). This variant is reported in 0.0055% of alleles in individuals of East Asian descent in gnomAD. This variant has conflicting interpretations in ClinVar ranging from uncertain to benign (Variation ID: 37807). Although we suspect this variant may be benign, at this time, the clinical significance of this variant is uncertain due to the absence of conclusive functional and genetic evidence.

Labcorp Genetics (formerly Invitae), Labcorp
Classification: Likely benign for Hereditary breast ovarian cancer syndrome. Last evaluated: 2025-11-03. Review status: criteria provided, single submitter. Criteria: Invitae Variant Classification Sherloc (09022015). Collection method: clinical testing. Allele origin: germline.

Ambry Genetics
Classification: Uncertain significance for Hereditary cancer-predisposing syndrome. Last evaluated: 2025-08-29. Review status: criteria provided, single submitter. Criteria: Ambry Variant Classification Scheme 2023. Collection method: clinical testing. Allele origin: germline.
Comment: The p.S973L variant (also known as c.2918C>T), located in coding exon 10 of the BRCA2 gene, results from a C to T substitution at nucleotide position 2918. The serine at codon 973 is replaced by leucine, an amino acid with dissimilar properties. This alteration has been reported in individuals diagnosed with breast and/or ovarian cancer (Ahmad J et al. Clin. Genet. 2012 Dec;82:594-8; Wang J et al. Cancer Med. 2019 May;8(5):2074-2084; Guo X et al. Int J Cancer. 2020 Apr;146(8):2175-2181; Guindalini RSC et al. Sci Rep. 2022 Mar;12(1):4190; Yao L et al. J Hum Genet. 2022 Nov;67(11):639-642). This amino acid position is not well conserved in available vertebrate species. In addition, this alteration is predicted to be tolerated by in silico analysis. Based on the available evidence, the clinical significance of this variant remains unclear.

Molecular Pathology, Peter Maccallum Cancer Centre
Classification: Likely benign for Breast-ovarian cancer, familial, susceptibility to, 2. Last evaluated: 2025-03-26. Review status: criteria provided, single submitter. Criteria: ACMG Guidelines, 2015. Collection method: clinical testing. Allele origin: germline. Inheritance: Autosomal dominant inheritance.

GeneDx
Classification: Uncertain significance. Last evaluated: 2025-03-20. Review status: criteria provided, single submitter. Criteria: GeneDx Variant Classification Process June 2021. Collection method: clinical testing. Allele origin: germline. Affected: yes.
Comment: Not observed at significant frequency in large population cohorts (gnomAD); In silico analysis supports that this missense variant has a deleterious effect on protein structure/function; Also known as 3146C>T; This variant is associated with the following publications: (PMID: 22486713, 35264596, 30982232, 31837001, 33471991, 31853058, 35864222, 29884841, 32377563)

Quest Diagnostics Nichols Institute San Juan Capistrano
Classification: Uncertain significance. Last evaluated: 2024-10-11. Review status: criteria provided, single submitter. Criteria: Quest Diagnostics criteria. Collection method: clinical testing. Allele origin: unknown.
Comment: The BRCA2 c.2918C>T (p.Ser973Leu) variant has been reported in the published literature in individuals with breast cancer (PMIDs: 35864222 (2022), 35264596 (2022), 33471991 (2021) see also LOVD, 31837001 (2020), 30982232 (2019), 22486713 (2012)) and reportedly healthy individuals (PMID: 33471991 (2021) see also LOVD). Additionally, this variant has been reported to be located in a region of the BRCA2 gene that is tolerant to missense sequence changes (PMID: 31911673 (2020)). The frequency of this variant in the general population, 0.000004 (1/248678 chromosomes (Genome Aggregation Database)), is uninformative in the assessment of its pathogenicity. Analysis of this variant using bioinformatics tools for the prediction of the effect of amino acid changes on protein structure and function yielded predictions that this variant is benign. Based on the available information, we are unable to determine the clinical significance of this variant.

University of Washington Department of Laboratory Medicine, University of Washington
Classification: Likely benign for Hereditary cancer-predisposing syndrome. Last evaluated: 2023-03-23. Review status: criteria provided, single submitter. Criteria: Dines et al. (Genet Med. 2020). Collection method: curation. Allele origin: germline.
Comment: Missense variant in a coldspot region where missense variants are very unlikely to be pathogenic (PMID:31911673).

BRCA2 exon 11 coldspot. Reclassification based on statistical prior probability.

Laboratory of Molecular Epidemiology of Birth Defects, West China Second University Hospital, Sichuan University
Classification: Benign for Ovarian cancer. Last evaluated: 2022-01-01. Review status: criteria provided, single submitter. Criteria: ACMG Guidelines, 2015. Collection method: clinical testing. Allele origin: germline. Affected: yes.

Department of Pathology and Laboratory Medicine, Sinai Health System
Classification: Uncertain significance for Familial prostate cancer. Last evaluated: 2021-10-27. Review status: criteria provided, single submitter. Criteria: ACMG Guidelines, 2015. Collection method: clinical testing. Allele origin: germline. Affected: yes.

Genetic Services Laboratory, University of Chicago
Classification: Uncertain significance. Last evaluated: 2019-12-09. Review status: criteria provided, single submitter. Criteria: ACMG Guidelines, 2015. Collection method: clinical testing. Allele origin: germline. Affected: no.

Mendelics
Classification: Uncertain significance for Breast-ovarian cancer, familial, susceptibility to, 2. Last evaluated: 2019-05-28. Review status: criteria provided, single submitter. Criteria: Mendelics Assertion Criteria 2017. Collection method: clinical testing. Allele origin: unknown.

Women's Health and Genetics/Laboratory Corporation of America, LabCorp
Classification: Uncertain significance. Last evaluated: 2018-08-24. Review status: criteria provided, single submitter. Criteria: LabCorp Variant Classification Summary - May 2015. Collection method: clinical testing. Allele origin: germline.
Comment: Variant summary: BRCA2 c.2918C>T (p.Ser973Leu) results in a non-conservative amino acid change in the encoded protein sequence. Three of four in-silico tools predict a damaging effect of the variant on protein function. The variant allele was found at a frequency of 4.1e-06 in 243890 control chromosomes (gnomAD). The available data on variant occurrences in the general population are insufficient to allow any conclusion about variant significance. c.2918C>T has been reported in the literature in an individual affected with Hereditary Breast and Ovarian Cancer (Ahmad_2012). This report does not provide an unequivocal conclusion about association of the variant with Hereditary Breast and Ovarian Cancer. A clinical lab via ClinVar has reported one patient who also carries an unspecified pathogenic BRCA1 mutation, suggesting the benign role of the variant of interest. To our knowledge, no experimental evidence demonstrating an impact on protein function has been reported. Five ClinVar submissions from other clinical diagnostic laboratories (evaluation after 2014) cites the variant as "uncertain significance." Based on the evidence outlined above, the variant was classified as uncertain significance.

Illumina Laboratory Services, Illumina
Classification: Uncertain significance for Breast-ovarian cancer, familial, susceptibility to, 2. Last evaluated: 2018-01-13. Review status: criteria provided, single submitter. Criteria: ICSL Variant Classification Criteria 13 December 2019. Collection method: clinical testing. Allele origin: germline.

Illumina Laboratory Services, Illumina
Classification: Uncertain significance for Fanconi anemia complementation group D1. Last evaluated: 2018-01-13. Review status: criteria provided, single submitter. Criteria: ICSL Variant Classification Criteria 13 December 2019. Collection method: clinical testing. Allele origin: germline.

Color Diagnostics, LLC DBA Color Health
Classification: Likely benign for Hereditary cancer-predisposing syndrome. Last evaluated: 2016-07-25. Review status: criteria provided, single submitter. Criteria: ACMG Guidelines, 2015. Collection method: clinical testing. Allele origin: germline.

Fulgent Genetics
Classification: Uncertain significance for Breast-ovarian cancer, familial, susceptibility to, 2. Last evaluated: 2016-02-22. Review status: criteria provided, single submitter. Criteria: ACMG Guidelines, 2015. Collection method: clinical testing. Allele origin: unknown.

Sharing Clinical Reports Project (SCRP)
Classification: Uncertain significance for Breast-ovarian cancer, familial 2. Last evaluated: 2008-11-26. Review status: no assertion criteria provided. Collection method: clinical testing. Allele origin: germline. Not counted in ClinVar's aggregate classification.

Literature cited by the submitters: PubMed 22486713 (cited by 4 submitters); PubMed 30982232 (cited by Ambry Genetics and Quest Diagnostics Nichols Institute San Juan Capistrano); PubMed 31837001 (cited by Ambry Genetics and Quest Diagnostics Nichols Institute San Juan Capistrano); PubMed 33471991 (cited by 3 submitters); PubMed 35264596 (cited by Ambry Genetics and Quest Diagnostics Nichols Institute San Juan Capistrano); PubMed 35864222 (cited by Ambry Genetics and Quest Diagnostics Nichols Institute San Juan Capistrano); PubMed 31911673 (cited by Quest Diagnostics Nichols Institute San Juan Capistrano); PubMed 26295337 (cited by Quest Diagnostics Nichols Institute San Juan Capistrano).

NM_000059.4(BRCA2):c.2918C>T (p.Ser973Leu)

Gene: BRCA2 (BRCA2 DNA repair associated; plus strand). Cytogenetic location: 13q13.1.
Variant type: single nucleotide variant.
Coding change: c.2918C>T on transcript NM_000059.4 (MANE Select); coding-DNA position 2918, C replaced by T.
Protein change: p.Ser973Leu; replaces serine 973 with leucine.
Molecular consequence: missense variant.
Genome position (GRCh38, 1-based): chr13:32,337,273, C>T. VCF-style: chr13-32337273-C-T. GRCh37 (hg19) VCF-style: chr13-32911410-C-T.
Other names: 3146C>T; short protein forms S973L.
Identifiers: ClinVar variation 37807 (VCV000037807.42), dbSNP rs397507296, ClinGen allele CA016775.
Genomic context (GRCh38, chr13:32,337,273, plus strand): 5'-AGGAGAACAAAAATAGTGTAAAGCAGCATATAAAAATGACTCTAGGTCAAGATTTAAAAT[C>T]GGACATCTCCTTGAATATAGATAAAATACCAGAAAAAAATAATGATTACATGAACAAATG-3'
Protein context (NP_000050.3, residues 963-983): IKMTLGQDLK[Ser973Leu]DISLNIDKIP